The following is an entry in ClinVar:

ClinVar aggregate classification (germline): Benign/Likely benign. Review status: criteria provided, multiple submitters, no conflicts (2 of 4 stars). 3 submissions from 3 submitters: Benign (2); Likely benign (1). Last evaluated 2026-05-01.

Allele frequency attached by ClinVar (database versions not stated): gnomAD 0.00004 and 0.00054; TOPMed 0.00011; gnomAD exomes 0.00091 and 0.00180; ExAC 0.00201; 1000 Genomes Project 0.00339; 1000 Genomes Project 30x 0.00406.

Submissions (3):

CeGaT Center for Human Genetics Tuebingen
Classification: Benign. Last evaluated: 2026-05-01. Review status: criteria provided, single submitter. Criteria: CeGaT Center For Human Genetics Tuebingen Variant Classification Criteria Version 2. Collection method: clinical testing. Allele origin: germline. Affected: yes. Observed: 2 variant alleles.
Comment: ARMC9: BP4, BS1, BS2

Labcorp Genetics (formerly Invitae), Labcorp
Classification: Benign. Last evaluated: 2026-01-12. Review status: criteria provided, single submitter. Criteria: Invitae Variant Classification Sherloc (09022015). Collection method: clinical testing. Allele origin: germline.

Blueprint Genetics
Classification: Likely benign. Last evaluated: 2024-09-17. Review status: criteria provided, single submitter. Criteria: ACMG Guidelines, 2015. Collection method: clinical testing. Allele origin: germline.

NM_001352754.2(ARMC9):c.1969G>A (p.Gly657Ser)

Gene: ARMC9 (armadillo repeat containing 9; plus strand). Cytogenetic location: 2q37.1.
Variant type: single nucleotide variant.
Coding change: c.1969G>A on transcript NM_001352754.2 (MANE Select); coding-DNA position 1969, G replaced by A.
Protein change: p.Gly657Ser; replaces glycine 657 with serine.
Molecular consequence: missense variant. On other transcripts: non-coding transcript variant (1).
Genome position (GRCh38, 1-based): chr2:231,345,065, G>A. VCF-style: chr2-231345065-G-A. GRCh37 (hg19) VCF-style: chr2-232209777-G-A.
Other names: c.1969G>A, p.Gly657Ser (NM_001271466.4, NM_001291656.2, NM_001352755.2 and 2 more transcripts); c.1870G>A, p.Gly624Ser (NM_001352757.2, NM_001352758.2); c.1864G>A, p.Gly622Ser (NM_001352759.2); short protein forms G622S, G657S, G624S.
Identifiers: ClinVar variation 718583 (VCV000718583.17), dbSNP rs199869743, ClinGen allele CA2160557.